The following is an entry in ClinVar:

ClinVar aggregate classification (germline): Likely pathogenic (1 of 4 stars; one submission).

Conditions:
Early-infantile DEE. Also called: Early infantile epileptic encephalopathy with suppression bursts; Early infantile epileptic encephalopathy; Ohtahara syndrome. Identifiers: Orphanet 1934, MedGen C0393706, MONDO:0800491.

Allele frequency attached by ClinVar (database versions not stated): gnomAD exomes below 0.00001.
gnomAD v4.1: 1 of 1,614,028 alleles (0.000062%); highest among the groups gnomAD compares: Non-Finnish European, 0.000085%; no homozygotes.

Submission:

Labcorp Genetics (formerly Invitae), Labcorp
Classification: Likely pathogenic for Early-infantile DEE. Last evaluated: 2022-11-29. Review status: criteria provided, single submitter. Criteria: Invitae Variant Classification Sherloc (09022015). Collection method: clinical testing. Allele origin: germline.
Comment: In summary, the currently available evidence indicates that the variant is pathogenic, but additional data are needed to prove that conclusively. Therefore, this variant has been classified as Likely Pathogenic. This variant disrupts the p.Arg1188 amino acid residue in SCN8A. Other variant(s) that disrupt this residue have been determined to be pathogenic (Invitae). This suggests that this residue is clinically significant, and that variants that disrupt this residue are likely to be disease-causing. Advanced modeling of protein sequence and biophysical properties (such as structural, functional, and spatial information, amino acid conservation, physicochemical variation, residue mobility, and thermodynamic stability) performed at Invitae indicates that this missense variant is expected to disrupt SCN8A protein function. ClinVar contains an entry for this variant (Variation ID: 1377157). This variant is also known as c.3595C>T (p.Arg1199Trp). This missense change has been observed in individual(s) with neurodevelopmental disorder (PMID: 33004838). This variant is present in population databases (no rsID available, gnomAD 0.0009%). This sequence change replaces arginine, which is basic and polar, with tryptophan, which is neutral and slightly polar, at codon 1188 of the SCN8A protein (p.Arg1188Trp).

Literature cited by the submitters: PubMed 33004838.

NM_001330260.2(SCN8A):c.3562C>T (p.Arg1188Trp)

Gene: SCN8A (sodium voltage-gated channel alpha subunit 8; plus strand). Cytogenetic location: 12q13.13.
Variant type: single nucleotide variant.
Coding change: c.3562C>T on transcript NM_001330260.2 (MANE Select); coding-DNA position 3562, C replaced by T.
Protein change: p.Arg1188Trp; replaces arginine 1188 with tryptophan.
Molecular consequence: missense variant.
Genome position (GRCh38, 1-based): chr12:51,770,600, C>T. VCF-style: chr12-51770600-C-T. GRCh37 (hg19) VCF-style: chr12-52164384-C-T.
Other names: c.3562C>T, p.Arg1188Trp (NM_001177984.3, NM_001369788.1, NM_014191.4); short protein forms R1188W.
Identifiers: ClinVar variation 1377157 (VCV001377157.7), dbSNP rs1430513260, ClinGen allele CA384896496.
Genomic context (GRCh38, chr12:51,770,600, plus strand): 5'-CGGTTCAAGTGCTGCCAGGTCAACATCGAGGAAGGGCTAGGCAAGTCTTGGTGGATCCTG[C>T]GGAAAACCTGCTTCCTCATCGTGGAGCACAACTGGTTTGAGACCTTCATCATCTTCATGA-3'
Protein context (NP_001317189.1, residues 1178-1198): EGLGKSWWIL[Arg1188Trp]KTCFLIVEHN